The following is an entry in ClinVar:

NM_004186.5(SEMA3F):c.763+7G>A

Gene: SEMA3F (semaphorin 3F; plus strand). Cytogenetic location: 3p21.31.
Variant type: single nucleotide variant.
Coding change: c.763+7G>A on transcript NM_004186.5 (MANE Select); 7 bases into the intron after coding-DNA position 763, G replaced by A.
Molecular consequence: intron variant.
Genome position (GRCh38, 1-based): chr3:50,182,410, G>A. VCF-style: chr3-50182410-G-A. GRCh37 (hg19) VCF-style: chr3-50219843-G-A.
Other names: c.466+7G>A (NM_001318798.2); c.670+7G>A (NM_001318800.2).
Identifiers: ClinVar variation 2653852 (VCV002653852.24), dbSNP rs41291722, ClinGen allele CA2411891.

ClinVar aggregate classification (germline): Likely benign (1 of 4 stars; one submission).

Allele frequency attached by ClinVar (database versions not stated): 1000 Genomes Project 30x 0.00281; ESP Exome Variant Server 0.00300; 1000 Genomes Project 0.00319; TOPMed 0.00355; gnomAD 0.00358; ExAC 0.00424; gnomAD exomes 0.00505.
gnomAD v4.1: 7,862 of 1,613,248 alleles (0.49%); highest among the groups gnomAD compares: South Asian, 0.71%; 27 homozygotes.

Submission:

CeGaT Center for Human Genetics Tuebingen
Classification: Likely benign. Last evaluated: 2023-02-01. Review status: criteria provided, single submitter. Criteria: CeGaT Center For Human Genetics Tuebingen Variant Classification Criteria Version 2. Collection method: clinical testing. Allele origin: germline. Affected: yes. Observed: 3 variant alleles.
Comment: SEMA3F: BP4, BS2